The following is an entry in ClinVar:

NM_198578.4(LRRK2):c.3778A>T (p.Ile1260Phe)

Gene: LRRK2 (leucine rich repeat kinase 2; plus strand). Cytogenetic location: 12q12.
Variant type: single nucleotide variant.
Coding change: c.3778A>T on transcript NM_198578.4 (MANE Select); coding-DNA position 3778, A replaced by T.
Protein change: p.Ile1260Phe; replaces isoleucine 1260 with phenylalanine.
Molecular consequence: missense variant.
Genome position (GRCh38, 1-based): chr12:40,305,785, A>T. VCF-style: chr12-40305785-A-T. GRCh37 (hg19) VCF-style: chr12-40699587-A-T.
Other names: short protein forms I1260F.
Identifiers: ClinVar variation 2567369 (VCV002567369.2), dbSNP rs2499794045, ClinGen allele CA384417028.
Genomic context (GRCh38, chr12:40,305,785, plus strand): 5'-TTGGCAGAGCACATTTCTTCCTTCCCACCAACAGGTTTTGCCCTTTTTTTTCCCATTAAG[A>T]TTCCTCCTGAGATTGGCTGTCTTGAAAATCTGACATCTCTGGATGTCAGTTACAACTTGG-3'
Protein context (NP_940980.4, residues 1250-1270): LHLSHNKLKE[Ile1260Phe]PPEIGCLENL

ClinVar aggregate classification (germline): Uncertain significance (1 of 4 stars; one submission).

Conditions:
Inborn genetic diseases. Identifiers: MedGen C0950123, MeSH D030342.

Allele frequency attached by ClinVar (database versions not stated): gnomAD exomes below 0.00001.
gnomAD v4.1: 1 of 1,613,180 alleles (0.000062%); highest among the groups gnomAD compares: Non-Finnish European, 0.000085%; no homozygotes.

Submission:

Ambry Genetics
Classification: Uncertain significance for Inborn genetic diseases. Last evaluated: 2023-04-23. Review status: criteria provided, single submitter. Criteria: Ambry Variant Classification Scheme 2023. Collection method: clinical testing. Allele origin: germline.
Comment: The p.I1260F variant (also known as c.3778A>T) is located in coding exon 28 of the LRRK2 gene. The isoleucine at codon 1260 is replaced by phenylalanine, an amino acid with highly similar properties. This change occurs in the first base pair of coding exon 28. This amino acid position is conserved. In addition, the in silico prediction for this alteration is inconclusive. Since supporting evidence is limited at this time, the clinical significance of this alteration remains unclear.